The following is an entry in ClinVar:

NM_031407.7(HUWE1):c.8137G>A (p.Glu2713Lys)

Gene: HUWE1 (HECT, UBA and WWE domain containing E3 ubiquitin protein ligase 1; minus strand). Cytogenetic location: Xp11.22.
Variant type: single nucleotide variant.
Coding change: c.8137G>A on transcript NM_031407.7 (MANE Select); coding-DNA position 8137, G replaced by A.
Protein change: p.Glu2713Lys; replaces glutamic acid 2713 with lysine.
Molecular consequence: missense variant.
Genome position (GRCh38, 1-based): chrX:53,558,678, C>T on the plus strand (G>A on the coding strand, the complement: HUWE1 is on the minus strand). VCF-style: chrX-53558678-C-T. GRCh37 (hg19) VCF-style: chrX-53585639-C-T.
Other names: short protein forms E2713K.
Identifiers: ClinVar variation 3358762 (VCV003358762.1).

ClinVar aggregate classification (germline): Uncertain significance (0 of 4 stars; one submission).

Conditions:
HUWE1-related disorder. Also called: HUWE1-related condition.

gnomAD v4.1: 1 of 1,211,031 alleles (0.000083%); highest among the groups gnomAD compares: Non-Finnish European, 0.00011%; no homozygotes.

Submission:

PreventionGenetics, part of Exact Sciences
Classification: Uncertain significance for HUWE1-related condition. Last evaluated: 2024-04-24. Review status: no assertion criteria provided. Collection method: clinical testing. Allele origin: germline.
Comment: The HUWE1 c.8137G>A variant is predicted to result in the amino acid substitution p.Glu2713Lys. To our knowledge, this variant has not been reported in the literature or in gnomAD, indicating this variant is rare. At this time, the clinical significance of this variant is uncertain due to the absence of conclusive functional and genetic evidence.